The following is an entry in ClinVar:

NM_014336.5(AIPL1):c.1126C>T (p.Pro376Ser)

Gene: AIPL1 (AIP like 1 HSP90 co-chaperone; minus strand). Cytogenetic location: 17p13.2.
Variant type: single nucleotide variant.
Coding change: c.1126C>T on transcript NM_014336.5 (MANE Select); coding-DNA position 1126, C replaced by T.
Protein change: p.Pro376Ser; replaces proline 376 with serine.
Molecular consequence: missense variant. On other transcripts: 3 prime UTR variant (1).
Genome position (GRCh38, 1-based): chr17:6,425,489, G>A on the plus strand (C>T on the coding strand, the complement: AIPL1 is on the minus strand). VCF-style: chr17-6425489-G-A. GRCh37 (hg19) VCF-style: chr17-6328809-G-A.
Other names: NM_014336.5(AIPL1):c.1126C>T; p.Pro376Ser; c.937C>T, p.Pro313Ser (NM_001033054.3); c.946C>T, p.Pro316Ser (NM_001033055.3); c.1090C>T, p.Pro364Ser (NM_001285399.3); c.1060C>T, p.Pro354Ser (NM_001285400.3); c.1054C>T, p.Pro352Ser (NM_001285401.3); c.1009C>T, p.Pro337Ser (NM_001285402.2); and 1 more; short protein forms P376S, P313S, P316S, P352S, P364S, P354S, P337S.
Identifiers: ClinVar variation 65708 (VCV000065708.28), dbSNP rs61757484, ClinGen allele CA203312.

ClinVar aggregate classification (germline): Benign. Review status: reviewed by expert panel (3 of 4 stars). 13 submissions from 12 submitters: Benign (1). 12 of the submissions do not count toward it. Last evaluated 2025-09-29.

Conditions:
AIPL1-related retinopathy. Also called: AIPL1 retinopathy. Identifiers: MedGen CN305590, MONDO:0100438.
Retinal dystrophy. Also called: Inherited retinal dystrophy. Identifiers: Orphanet 71862, MedGen C0854723, MeSH D058499, MONDO:0019118, HP:0000556.
Leber congenital amaurosis 4 (LCA4). Identifiers: MedGen C1858386, MONDO:0011458, OMIM 604393.
Retinitis pigmentosa (RP). Identifiers: Orphanet 791, MedGen C0035334, MeSH D012174, MONDO:0019200, OMIM 268000. Inheritance: Autosomal dominant, autosomal recessive and X linked inheritance.

Allele frequency attached by ClinVar (database versions not stated): gnomAD exomes 0.00475; ExAC 0.00588; 1000 Genomes Project 0.01518; 1000 Genomes Project 30x 0.01640; TOPMed 0.02016; ESP Exome Variant Server 0.02088.
gnomAD v4.1: 5,393 of 1,605,510 alleles (0.34%); highest among the groups gnomAD compares: African/African-American, 6.3%; 170 homozygotes.

Submissions (13):

ClinGen Leber Congenital Amaurosis/early Onset Retinal Dystrophy Variant Curation Expert Panel, ClinGen
Classification: Benign for AIPL1-related retinopathy. Last evaluated: 2025-09-29. Review status: reviewed by expert panel. Criteria: ClinGen LCAeoRD ACMG Specifications AIPL1 V1.0.0. Collection method: curation. Allele origin: germline. Inheritance: Autosomal recessive inheritance.
Comment: NM_014336.5(AIPL1):c.1126C>T (p.Pro376Ser) is a missense variant in exon 6 of 6 that is predicted to replace proline with serine at amino acid p.376. This variant is present in gnomAD v.4.1.0 at a GrpMax allele frequency of 0.06125, with 4,695 alleles / 74,822 total alleles and 166 homozygotes in the African/African American population, which is higher than the ClinGen LCA/eoRD VCEP BA1 threshold of >0.0057 (BA1). The variant has been found in the homozygous state in 170 adult individuals in gnomAD which exceeds the LCA/eoRD VCEP threshold of ≥6 (gnomAD version 4.1.0; BS2). The computational predictor REVEL gives a score of 0.129, which is below the ClinGen LCA/eoRD VCEP threshold of ≤0.183 and predicts a non-damaging effect on AIPL1 protein function. In addition, the splicing impact predictor SpliceAI gives a delta score of 0.00, which is below the ClinGen LCA/eoRD VCEP recommended threshold of <0.1 and does not predict an impact on splicing (BP4_Moderate). In summary, this variant meets the criteria to be classified as Benign for AIPL1-related retinopathy based on the ACMG/AMP criteria applied, as specified by the ClinGen LCA/eoRD VCEP: BA1, BS2, and BP4_Moderate. (VCEP specifications version 1.0.0; date of approval 09/24/2025).

Labcorp Genetics (formerly Invitae), Labcorp
Classification: Benign for Leber congenital amaurosis 4. Last evaluated: 2026-02-02. Review status: criteria provided, single submitter. Criteria: Invitae Variant Classification Sherloc (09022015). Collection method: clinical testing. Allele origin: germline. Not counted in ClinVar's aggregate classification.

Fulgent Genetics
Classification: Benign for Retinitis pigmentosa; Leber congenital amaurosis 4. Last evaluated: 2022-05-05. Review status: criteria provided, single submitter. Criteria: ACMG Guidelines, 2015. Collection method: clinical testing. Allele origin: unknown. Not counted in ClinVar's aggregate classification.

Women's Health and Genetics/Laboratory Corporation of America, LabCorp
Classification: Likely benign. Last evaluated: 2022-02-18. Review status: criteria provided, single submitter. Criteria: LabCorp Variant Classification Summary - May 2015. Collection method: clinical testing. Allele origin: germline. Not counted in ClinVar's aggregate classification.

GeneDx
Classification: Benign. Last evaluated: 2020-03-21. Review status: criteria provided, single submitter. Criteria: GeneDx Variant Classification Process June 2021. Collection method: clinical testing. Allele origin: germline. Affected: yes. Not counted in ClinVar's aggregate classification.
Comment: This variant is associated with the following publications: (PMID: 26139345, 27884173, 10873396, 20981092)

Illumina Laboratory Services, Illumina
Classification: Likely benign for Leber congenital amaurosis 4. Last evaluated: 2017-04-27. Review status: criteria provided, single submitter. Criteria: ICSL Variant Classification Criteria 13 December 2019. Collection method: clinical testing. Allele origin: germline. Not counted in ClinVar's aggregate classification.
Comment: This variant was observed as part of a predisposition screen in an ostensibly healthy population. A literature search was performed for the gene, cDNA change, and amino acid change (where applicable). Publications were found based on this search. The evidence from the literature, in combination with allele frequency data from public databases where available, was sufficient to determine this variant is unlikely to cause disease. Therefore, this variant is classified as likely benign.

Illumina Laboratory Services, Illumina
Classification: Likely benign for Retinitis pigmentosa. Last evaluated: 2017-04-27. Review status: criteria provided, single submitter. Criteria: ICSL Variant Classification Criteria 13 December 2019. Collection method: clinical testing. Allele origin: germline. Not counted in ClinVar's aggregate classification.
Comment: This variant was observed as part of a predisposition screen in an ostensibly healthy population. A literature search was performed for the gene, cDNA change, and amino acid change (where applicable). No publications were found based on this search. Allele frequency data from public databases allowed determination this variant is unlikely to cause disease. Therefore, this variant is classified as likely benign.

Center for Pediatric Genomic Medicine, Children's Mercy Hospital and Clinics
Classification: Likely benign. Last evaluated: 2015-09-04. Review status: criteria provided, single submitter. Criteria: ACMG Guidelines, 2015. Collection method: clinical testing. Allele origin: germline. Not counted in ClinVar's aggregate classification.
ClinVar note: Converted during submission from Likely Benign to Likely benign.

Eurofins Ntd Llc (ga)
Classification: Benign. Last evaluated: 2014-07-21. Review status: criteria provided, single submitter. Criteria: EGL Classification Definitions 2015. Collection method: clinical testing. Allele origin: germline. Observed: 1 variant allele, 1 heterozygote. Not counted in ClinVar's aggregate classification.

Institute of Human Genetics, Univ. Regensburg, Univ. Regensburg
Classification: Likely benign for Retinal dystrophy. Last evaluated: 2013-01-01. Review status: criteria provided, single submitter. Criteria: ACMG Guidelines, 2015. Collection method: clinical testing. Allele origin: germline. Affected: yes. Not counted in ClinVar's aggregate classification.

Breakthrough Genomics
Classification: Likely benign. Review status: criteria provided, single submitter. Criteria: ACMG Guidelines, 2015. Collection method: not provided. Allele origin: germline. Inheritance: Autosomal recessive inheritance. Affected: yes. Not counted in ClinVar's aggregate classification.

GeneReviews
No classification provided. Condition: Leber congenital amaurosis 4. Review status: no classification provided. Collection method: literature only. Allele origin: unknown. Not counted in ClinVar's aggregate classification.

Retina International
No classification provided. Review status: no classification provided. Collection method: not provided. Allele origin: not provided. Not counted in ClinVar's aggregate classification.

Literature cited by the submitters: PubMed 15249368 (cited by Illumina Laboratory Services, Illumina); PubMed 22412862 (cited by Illumina Laboratory Services, Illumina); PubMed 20683928 (cited by Illumina Laboratory Services, Illumina); PubMed 15469903 (cited by Illumina Laboratory Services, Illumina); PubMed 10873396 (cited by Illumina Laboratory Services, Illumina and Institute of Human Genetics, Univ. Regensburg, Univ. Regensburg); PubMed 20981092 (cited by Institute of Human Genetics, Univ. Regensburg, Univ. Regensburg); PubMed 26139345 (cited by Institute of Human Genetics, Univ. Regensburg, Univ. Regensburg); PubMed 27884173 (cited by Institute of Human Genetics, Univ. Regensburg, Univ. Regensburg); PubMed 31429209 (cited by Institute of Human Genetics, Univ. Regensburg, Univ. Regensburg); PubMed 33067476 (cited by Institute of Human Genetics, Univ. Regensburg, Univ. Regensburg); PubMed 20301475 (cited by GeneReviews); NCBI Bookshelf NBK1298 (cited by GeneReviews).